The following is an entry in ClinVar:

NM_005634.3(SOX3):c.14G>A (p.Arg5Gln)

Genes: SOX3 (SRY-box transcription factor 3; minus strand), LOC108281134 (SOX3 promoter region; plus strand). Cytogenetic location: Xq27.1.
Variant type: single nucleotide variant.
Coding change: c.14G>A on transcript NM_005634.3 (MANE Select); coding-DNA position 14, G replaced by A.
Protein change: p.Arg5Gln; replaces arginine 5 with glutamine.
Molecular consequence: missense variant.
Genome position (GRCh38, 1-based): chrX:140,505,047, C>T on the plus strand (G>A on the coding strand, the complement: SOX3 is on the minus strand). VCF-style: chrX-140505047-C-T. GRCh37 (hg19) VCF-style: chrX-139587212-C-T.
Other names: short protein forms R5Q.
Identifiers: ClinVar variation 193320 (VCV000193320.32), dbSNP rs112180170, ClinGen allele CA200495.

ClinVar aggregate classification (germline): Benign/Likely benign. Review status: criteria provided, multiple submitters, no conflicts (2 of 4 stars). 12 submissions from 12 submitters: Benign (4); Likely benign (3). 5 of the submissions do not count toward it. Last evaluated 2026-06-05.

Conditions:
SOX3-related disorder. Also called: SOX3-Related Disorders; SOX3-related condition.
Panhypopituitarism, X-linked (PHPX). Also called: PITUITARY DWARFISM IV. Identifiers: MedGen C0342376, MONDO:0010712, OMIM 312000.
Intellectual developmental disorder, X-linked, with panhypopituitarism. Also called: Intellectual disability, X-linked, with panhypopituitarism. Identifiers: MedGen C2678223, MONDO:0010252, OMIM 300123.

Allele frequency attached by ClinVar (database versions not stated): 1000 Genomes Project 0.00053; 1000 Genomes Project 30x 0.00062; TOPMed 0.00166; ESP Exome Variant Server 0.00201.

Submissions (12):

Women's Health and Genetics/Laboratory Corporation of America, LabCorp
Classification: Likely benign. Last evaluated: 2026-06-05. Review status: criteria provided, single submitter. Criteria: LabCorp Variant Classification Summary - May 2015. Collection method: clinical testing. Allele origin: germline.
Comment: Variant summary: SOX3 c.14G>A (p.Arg5Gln) results in a conservative amino acid change in the encoded protein sequence. Algorithms developed to predict the effect of missense changes on protein structure and function all suggest that this variant is likely to be tolerated. The variant allele was found at a frequency of 0.0029 in 163377 control chromosomes in the gnomAD database, including 5 homozygotes. The observed variant frequency exceeds the estimated maximal expected allele frequency for disease-causing variants in SOX3. To our knowledge, no occurrence of c.14G>A in individuals affected with SOX3-related conditions and no experimental evidence demonstrating its impact on protein function have been reported. ClinVar contains an entry for this variant (Variation ID: 193320). Based on the evidence outlined above, the variant was classified as likely benign.

Labcorp Genetics (formerly Invitae), Labcorp
Classification: Benign. Last evaluated: 2026-01-03. Review status: criteria provided, single submitter. Criteria: Invitae Variant Classification Sherloc (09022015). Collection method: clinical testing. Allele origin: germline.

Fulgent Genetics
Classification: Benign for Intellectual developmental disorder, X-linked, with panhypopituitarism; Panhypopituitarism, X-linked. Last evaluated: 2022-01-28. Review status: criteria provided, single submitter. Criteria: ACMG Guidelines, 2015. Collection method: clinical testing. Allele origin: unknown.

Ambry Genetics
Classification: Benign. Last evaluated: 2016-09-22. Review status: criteria provided, single submitter. Criteria: Ambry Variant Classification Scheme 2023. Collection method: clinical testing. Allele origin: germline.

Center for Pediatric Genomic Medicine, Children's Mercy Hospital and Clinics
Classification: Benign. Last evaluated: 2016-07-13. Review status: criteria provided, single submitter. Criteria: ACMG Guidelines, 2015. Collection method: clinical testing. Allele origin: germline.

Eurofins Ntd Llc (ga)
Classification: Likely benign. Last evaluated: 2014-10-30. Review status: criteria provided, single submitter. Criteria: EGL Classification Definitions 2015. Collection method: clinical testing. Allele origin: germline. Observed: 2 variant alleles, 1 heterozygote, 1 hemizygote.

Breakthrough Genomics
Classification: Likely benign. Review status: criteria provided, single submitter. Criteria: ACMG Guidelines, 2015. Collection method: not provided. Allele origin: germline. Inheritance: X-linked inheritance. Affected: yes.

PreventionGenetics, part of Exact Sciences
Classification: Likely benign for SOX3-related condition. Last evaluated: 2021-04-27. Review status: no assertion criteria provided. Collection method: clinical testing. Allele origin: germline. Not counted in ClinVar's aggregate classification.
Comment: This variant is classified as likely benign based on ACMG/AMP sequence variant interpretation guidelines (Richards et al. 2015 PMID: 25741868, with internal and published modifications).

Clinical Genetics DNA and cytogenetics Diagnostics Lab, Erasmus MC, Erasmus Medical Center
Classification: Likely benign. Review status: no assertion criteria provided. Collection method: clinical testing. Allele origin: germline. Affected: yes. Study: VKGL Data-share Consensus. Not counted in ClinVar's aggregate classification.

Clinical Genetics, Academic Medical Center
Classification: Likely benign. Review status: no assertion criteria provided. Collection method: clinical testing. Allele origin: germline. Affected: yes. Study: VKGL Data-share Consensus. Not counted in ClinVar's aggregate classification.

Diagnostic Laboratory, Department of Genetics, University Medical Center Groningen
Classification: Likely benign. Review status: no assertion criteria provided. Collection method: clinical testing. Allele origin: germline. Affected: yes. Study: VKGL Data-share Consensus. Not counted in ClinVar's aggregate classification.

Laboratory of Diagnostic Genome Analysis, Leiden University Medical Center (LUMC)
Classification: Likely benign. Review status: no assertion criteria provided. Collection method: clinical testing. Allele origin: germline. Affected: yes. Study: VKGL Data-share Consensus. Not counted in ClinVar's aggregate classification.

Literature cited by the submitters: PubMed 21289259 (cited by Eurofins Ntd Llc (ga)).